The following is an entry in ClinVar:

NM_004608.4(TBX6):c.815G>A (p.Arg272Gln)

Gene: TBX6 (T-box transcription factor 6; minus strand). Cytogenetic location: 16p11.2.
Variant type: single nucleotide variant.
Coding change: c.815G>A on transcript NM_004608.4 (MANE Select); coding-DNA position 815, G replaced by A.
Protein change: p.Arg272Gln; replaces arginine 272 with glutamine.
Molecular consequence: missense variant.
Genome position (GRCh38, 1-based): chr16:30,088,569, C>T on the plus strand (G>A on the coding strand, the complement: TBX6 is on the minus strand). VCF-style: chr16-30088569-C-T. GRCh37 (hg19) VCF-style: chr16-30099890-C-T.
Other names: short protein forms R272Q.
Identifiers: ClinVar variation 734843 (VCV000734843.17), dbSNP rs201231713, ClinGen allele CA8001800.

ClinVar aggregate classification (germline): Conflicting classifications of pathogenicity. Review status: criteria provided, conflicting classifications (1 of 4 stars). 3 submissions from 3 submitters: Uncertain significance (1); Benign (1). 1 of the submissions does not count toward it. Last evaluated 2025-10-15.

Conditions:
Neurodevelopmental abnormality. Identifiers: MedGen C4022737, HP:0012759.

Allele frequency attached by ClinVar (database versions not stated): 1000 Genomes Project 0.00020; ESP Exome Variant Server 0.00023; 1000 Genomes Project 30x 0.00047; TOPMed 0.00048; gnomAD 0.00076 and 0.00078; ExAC 0.00083; gnomAD exomes 0.00097.
gnomAD v4.1: 1,522 of 1,614,206 alleles (0.094%); highest among the groups gnomAD compares: Non-Finnish European, 0.097%; 2 homozygotes.

Submissions (7):

Labcorp Genetics (formerly Invitae), Labcorp
Classification: Benign. Last evaluated: 2025-10-15. Review status: criteria provided, single submitter. Criteria: Invitae Variant Classification Sherloc (09022015). Collection method: clinical testing. Allele origin: germline.

GeneDx
Classification: Uncertain significance. Last evaluated: 2024-10-04. Review status: criteria provided, single submitter. Criteria: GeneDx Variant Classification Process June 2021. Collection method: clinical testing. Allele origin: germline. Affected: yes.
Comment: Identified in two fetuses with suspected skeletal dysplasia; both had additional variants identified in TBX6 with uncertain pathogenicity (PMID: 35611473); Reported in the heterozygous and homozygous state in individuals with Mullerian anomalies, with at least one study demonstrating a significantly increased frequency in affected individuals as compared with controls (PMID: 23954021, 26610373, 30739119, 33469725, 38699388); In silico analysis supports that this missense variant has a deleterious effect on protein structure/function; This variant is associated with the following publications: (PMID: 30739119, 26610373, 23954021, 33469725, 38699388, 38203291, 32819397, 35611473)

Department of Genetics, Rouen University Hospital, Normandy Center for Genomic and Personalized Medicine
Classification: Uncertain significance for Neurodevelopmental abnormality. Last evaluated: 2020-04-03. Review status: no assertion criteria provided. Collection method: clinical testing. Allele origin: paternal. Affected: yes. Not counted in ClinVar's aggregate classification.

Dr. Peter K. Rogan Lab, Western University
No classification provided (evidence only). Condition: Malignant tumor of urinary bladder. Review status: no classification provided. Collection method: in vitro. Allele origin: not applicable. Functional consequence: retained intron. Not counted in ClinVar's aggregate classification.

Dr. Peter K. Rogan Lab, Western University
No classification provided (evidence only). Condition: Lung cancer. Review status: no classification provided. Collection method: in vitro. Allele origin: not applicable. Functional consequence: retained intron. Not counted in ClinVar's aggregate classification.

Dr. Peter K. Rogan Lab, Western University
No classification provided (evidence only). Condition: Thymoma. Review status: no classification provided. Collection method: in vitro. Allele origin: not applicable. Functional consequence: retained intron. Not counted in ClinVar's aggregate classification.

Dr. Peter K. Rogan Lab, Western University
No classification provided (evidence only). Condition: Gastric cancer. Review status: no classification provided. Collection method: in vitro. Allele origin: not applicable. Functional consequence: retained intron. Not counted in ClinVar's aggregate classification.